The following is an entry in ClinVar:

ClinVar aggregate classification (germline): Uncertain significance. Review status: criteria provided, multiple submitters, no conflicts (2 of 4 stars). 2 submissions from 2 submitters: Uncertain significance (2). Last evaluated 2025-08-23.

Allele frequency attached by ClinVar (database versions not stated): TOPMed below 0.00001.
gnomAD v4.1: 13 of 1,613,066 alleles (0.00081%); highest among the groups gnomAD compares: Admixed American, 0.005%; no homozygotes.

Submissions (2):

Labcorp Genetics (formerly Invitae), Labcorp
Classification: Uncertain significance. Last evaluated: 2025-08-23. Review status: criteria provided, single submitter. Criteria: Invitae Variant Classification Sherloc (09022015). Collection method: clinical testing. Allele origin: germline.
Comment: This sequence change replaces tyrosine, which is neutral and polar, with cysteine, which is neutral and slightly polar, at codon 75 of the RPL27 protein (p.Tyr75Cys). This variant is present in population databases (rs747760845, gnomAD 0.009%). This variant has not been reported in the literature in individuals affected with RPL27-related conditions. ClinVar contains an entry for this variant (Variation ID: 1976131). An algorithm developed to predict the effect of missense changes on protein structure and function (PolyPhen-2) suggests that this variant is likely to be tolerated. In summary, the available evidence is currently insufficient to determine the role of this variant in disease. Therefore, it has been classified as a Variant of Uncertain Significance.

Ambry Genetics
Classification: Uncertain significance. Last evaluated: 2025-01-24. Review status: criteria provided, single submitter. Criteria: Ambry Variant Classification Scheme 2023. Collection method: clinical testing. Allele origin: germline.

NM_000988.5(RPL27):c.224A>G (p.Tyr75Cys)

Gene: RPL27 (ribosomal protein L27; plus strand). Cytogenetic location: 17q21.31.
Variant type: single nucleotide variant.
Coding change: c.224A>G on transcript NM_000988.5 (MANE Select); coding-DNA position 224, A replaced by G.
Protein change: p.Tyr75Cys; replaces tyrosine 75 with cysteine.
Molecular consequence: missense variant.
Genome position (GRCh38, 1-based): chr17:43,000,075, A>G. VCF-style: chr17-43000075-A-G. GRCh37 (hg19) VCF-style: chr17-41152092-A-G.
Other names: c.224A>G (NM_000988.3); c.224A>G, p.Tyr75Cys (NM_001349921.2, NM_001349922.2); short protein forms Y75C.
Identifiers: ClinVar variation 1976131 (VCV001976131.6), dbSNP rs747760845, ClinGen allele CA290824091.